The following is an entry in ClinVar:

NM_001267550.2(TTN):c.60816G>A (p.Pro20272=)

Genes: TTN (titin; minus strand), TTN-AS1 (TTN antisense RNA 1; plus strand). Cytogenetic location: 2q31.2.
Variant type: single nucleotide variant.
Coding change: c.60816G>A on transcript NM_001267550.2 (MANE Select); coding-DNA position 60816, G replaced by A.
Protein change: p.Pro20272=; no amino-acid change (proline 20272 retained).
Molecular consequence: synonymous variant.
Genome position (GRCh38, 1-based): chr2:178,590,909, C>T on the plus strand (G>A on the coding strand, the complement: TTN is on the minus strand). VCF-style: chr2-178590909-C-T. GRCh37 (hg19) VCF-style: chr2-179455636-C-T.
Other names: c.55893G>A, p.Pro18631= (NM_001256850.1); c.33621G>A, p.Pro11207= (NM_003319.4); c.33996G>A, p.Pro11332= (NM_133432.3); c.34197G>A, p.Pro11399= (NM_133437.4); c.53112G>A, p.Pro17704= (NM_133378.4).
Identifiers: ClinVar variation 178906 (VCV000178906.40), dbSNP rs727504529, ClinGen allele CA183278.

ClinVar aggregate classification (germline): Likely benign. Review status: criteria provided, multiple submitters, no conflicts (2 of 4 stars). 4 submissions from 4 submitters: Likely benign (4). Last evaluated 2026-01-25.

Conditions:
Cardiovascular phenotype. Identifiers: MedGen CN230736.
Dilated cardiomyopathy 1G (CMD1G). Identifiers: Orphanet 154, MedGen C1858763, MONDO:0011400, OMIM 604145.
Autosomal recessive limb-girdle muscular dystrophy type 2J (LGMDR10). Also called: Limb-girdle muscular dystrophy, type 2J; MUSCULAR DYSTROPHY, LIMB-GIRDLE, AUTOSOMAL RECESSIVE 10. Identifiers: Orphanet 140922, MedGen C1837342, MONDO:0012127, OMIM 608807.

Allele frequency attached by ClinVar (database versions not stated): gnomAD 0.00001; gnomAD exomes 0.00002 and 0.00005; TOPMed 0.00003; ExAC 0.00004.
gnomAD v4.1: 36 of 1,612,174 alleles (0.0022%); highest among the groups gnomAD compares: Middle Eastern, 0.13%; no homozygotes.

Submissions (4):

Labcorp Genetics (formerly Invitae), Labcorp
Classification: Likely benign for Dilated cardiomyopathy 1G; Autosomal recessive limb-girdle muscular dystrophy type 2J. Last evaluated: 2026-01-25. Review status: criteria provided, single submitter. Criteria: Invitae Variant Classification Sherloc (09022015). Collection method: clinical testing. Allele origin: germline.

CeGaT Center for Human Genetics Tuebingen
Classification: Likely benign. Last evaluated: 2024-07-01. Review status: criteria provided, single submitter. Criteria: CeGaT Center For Human Genetics Tuebingen Variant Classification Criteria Version 2. Collection method: clinical testing. Allele origin: germline. Affected: yes. Observed: 4 variant alleles.
Comment: TTN: BP4, BP7

Ambry Genetics
Classification: Likely benign for Cardiovascular phenotype. Last evaluated: 2021-12-17. Review status: criteria provided, single submitter. Criteria: Ambry Variant Classification Scheme 2023. Collection method: clinical testing. Allele origin: germline.

Laboratory for Molecular Medicine, Mass General Brigham Personalized Medicine
Classification: Likely benign. Last evaluated: 2013-04-21. Review status: criteria provided, single submitter. Criteria: LMM Criteria. Collection method: clinical testing. Allele origin: germline. Observed: 1 variant allele.
Comment: Pro17704Pro in exon 253 of TTN: This variant is not expected to have clinical si gnificance because it does not alter an amino acid residue and is not located wi thin this splice consensus sequence. Pro17704Pro in exon 253 of TTN (allele fre quency = n/a)